The following is an entry in ClinVar:

ClinVar aggregate classification (germline): Benign. Review status: criteria provided, single submitter (1 of 4 stars). 2 submissions from 2 submitters: Benign (1). 1 of the submissions does not count toward it. Last evaluated 2021-12-22.

Conditions:
ATG2B-related disorder. Also called: ATG2B-related condition.

Allele frequency attached by ClinVar (database versions not stated): 1000 Genomes Project 0.00040; 1000 Genomes Project 30x 0.00047; TOPMed 0.00387; gnomAD 0.00394 and 0.00412; ExAC 0.00408; gnomAD exomes 0.00424; ESP Exome Variant Server 0.00532.
gnomAD v4.1: 8,642 of 1,612,198 alleles (0.54%); highest among the groups gnomAD compares: Non-Finnish European, 0.64%; 29 homozygotes.

Submissions (2):

Genetic Services Laboratory, University of Chicago
Classification: Benign. Last evaluated: 2021-12-22. Review status: criteria provided, single submitter. Criteria: ACMG Guidelines, 2015. Collection method: clinical testing. Allele origin: germline. Affected: no.

PreventionGenetics, part of Exact Sciences
Classification: Benign for ATG2B-related condition. Last evaluated: 2021-11-29. Review status: no assertion criteria provided. Collection method: clinical testing. Allele origin: germline. Not counted in ClinVar's aggregate classification.
Comment: This variant is classified as benign based on ACMG/AMP sequence variant interpretation guidelines (Richards et al. 2015 PMID: 25741868, with internal and published modifications).

NM_018036.7(ATG2B):c.1205G>A (p.Arg402His)

Gene: ATG2B (autophagy related 2B; minus strand). Cytogenetic location: 14q32.2.
Variant type: single nucleotide variant.
Coding change: c.1205G>A on transcript NM_018036.7 (MANE Select); coding-DNA position 1205, G replaced by A.
Protein change: p.Arg402His; replaces arginine 402 with histidine.
Molecular consequence: missense variant.
Genome position (GRCh38, 1-based): chr14:96,333,690, C>T on the plus strand (G>A on the coding strand, the complement: ATG2B is on the minus strand). VCF-style: chr14-96333690-C-T. GRCh37 (hg19) VCF-style: chr14-96800027-C-T.
Other names: short protein forms R402H.
Identifiers: ClinVar variation 1337053 (VCV001337053.6), dbSNP rs183527316, ClinGen allele CA7336810.